The following is an entry in ClinVar:

ClinVar aggregate classification (germline): Uncertain significance. Review status: criteria provided, multiple submitters, no conflicts (2 of 4 stars). 4 submissions from 4 submitters: Uncertain significance (4). Last evaluated 2025-11-27.

Conditions:
Cardiovascular phenotype. Identifiers: MedGen CN230736.
Hypertrophic cardiomyopathy 14. Identifiers: MedGen C2750467, MONDO:0013197, OMIM 613251.

Allele frequency attached by ClinVar (database versions not stated): TOPMed below 0.00001; gnomAD 0.00001; ExAC 0.00003.
gnomAD v4.1: 27 of 1,613,954 alleles (0.0017%); highest among the groups gnomAD compares: Middle Eastern, 0.016%; no homozygotes.

Submissions (4):

Labcorp Genetics (formerly Invitae), Labcorp
Classification: Uncertain significance for Hypertrophic cardiomyopathy 14. Last evaluated: 2025-11-27. Review status: criteria provided, single submitter. Criteria: Invitae Variant Classification Sherloc (09022015). Collection method: clinical testing. Allele origin: germline.
Comment: This sequence change replaces arginine, which is basic and polar, with cysteine, which is neutral and slightly polar, at codon 809 of the MYH6 protein (p.Arg809Cys). This variant is present in population databases (rs746955749, gnomAD 0.01%). This missense change has been observed in individual(s) with hypertrophic cardiomyopathy (PMID: 27483260). ClinVar contains an entry for this variant (Variation ID: 1791079). Invitae Evidence Modeling of protein sequence and biophysical properties (such as structural, functional, and spatial information, amino acid conservation, physicochemical variation, residue mobility, and thermodynamic stability) indicates that this missense variant is expected to disrupt MYH6 protein function with a positive predictive value of 80%. In summary, the available evidence is currently insufficient to determine the role of this variant in disease. Therefore, it has been classified as a Variant of Uncertain Significance.

Ambry Genetics
Classification: Uncertain significance for Cardiovascular phenotype. Last evaluated: 2025-07-01. Review status: criteria provided, single submitter. Criteria: Ambry Variant Classification Scheme 2023. Collection method: clinical testing. Allele origin: germline.
Comment: The p.R809C variant (also known as c.2425C>T), located in coding exon 18 of the MYH6 gene, results from a C to T substitution at nucleotide position 2425. The arginine at codon 809 is replaced by cysteine, an amino acid with highly dissimilar properties. This alteration has been reported in hypertrophic cardiomyopathy (HCM) cohorts; however, clinical details were limited (Lopes LR et al. Heart, 2015 Feb;101:294-301; Rubattu S et al. Int J Mol Sci, 2016 Jul;17:[ePub ahead of print]). This amino acid position is highly conserved in available vertebrate species. In addition, this alteration is predicted to be deleterious by in silico analysis. Since supporting evidence is limited at this time, the clinical significance of this alteration remains unclear.

CeGaT Center for Human Genetics Tuebingen
Classification: Uncertain significance. Last evaluated: 2023-01-01. Review status: criteria provided, single submitter. Criteria: CeGaT Center For Human Genetics Tuebingen Variant Classification Criteria Version 2. Collection method: clinical testing. Allele origin: germline. Affected: yes. Observed: 1 variant allele.

Revvity Omics, Revvity
Classification: Uncertain significance. Last evaluated: 2022-02-16. Review status: criteria provided, single submitter. Criteria: ACMG Guidelines, 2015. Collection method: clinical testing. Allele origin: germline.

Literature cited by the submitters: PubMed 27483260 (cited by Labcorp Genetics (formerly Invitae), Labcorp and Ambry Genetics); PubMed 25351510 (cited by Ambry Genetics).

NM_002471.4(MYH6):c.2425C>T (p.Arg809Cys)

Gene: MYH6 (myosin heavy chain 6; minus strand). Cytogenetic location: 14q11.2.
Variant type: single nucleotide variant.
Coding change: c.2425C>T on transcript NM_002471.4 (MANE Select); coding-DNA position 2425, C replaced by T.
Protein change: p.Arg809Cys; replaces arginine 809 with cysteine.
Molecular consequence: missense variant.
Genome position (GRCh38, 1-based): chr14:23,396,288, G>A on the plus strand (C>T on the coding strand, the complement: MYH6 is on the minus strand). VCF-style: chr14-23396288-G-A. GRCh37 (hg19) VCF-style: chr14-23865497-G-A.
Other names: short protein forms R809C.
Identifiers: ClinVar variation 1791079 (VCV001791079.39), dbSNP rs746955749, ClinGen allele CA7115475.